The following is an entry in ClinVar:

ClinVar aggregate classification (germline): Uncertain significance. Review status: criteria provided, multiple submitters, no conflicts (2 of 4 stars). 2 submissions from 2 submitters: Uncertain significance (2). Last evaluated 2025-09-02.

Conditions:
Amyotrophic lateral sclerosis type 6. Also called: FUS-Related Amyotrophic Laterial Sclerosis; AMYOTROPHIC LATERAL SCLEROSIS 6 WITHOUT FRONTOTEMPORAL DEMENTIA; Amyotrophic lateral sclerosis 6, with or without frontotemporal dementia. Identifiers: Orphanet 275872, Orphanet 803, MedGen C2931786, MONDO:0011951, OMIM 608030.
Tremor, hereditary essential, 4 (ETM4). Identifiers: MedGen C3539195, MONDO:0013888, OMIM 614782.

Submissions (2):

Labcorp Genetics (formerly Invitae), Labcorp
Classification: Uncertain significance for Tremor, hereditary essential, 4; Amyotrophic lateral sclerosis type 6. Last evaluated: 2025-09-02. Review status: criteria provided, single submitter. Criteria: Invitae Variant Classification Sherloc (09022015). Collection method: clinical testing. Allele origin: germline.
Comment: This variant, c.1371_1373dup, results in the insertion of 1 amino acid(s) of the FUS protein (p.Gly458dup), but otherwise preserves the integrity of the reading frame. This variant is present in population databases (rs760855034, gnomAD 0.006%). This variant has not been reported in the literature in individuals affected with FUS-related conditions. ClinVar contains an entry for this variant (Variation ID: 2076222). Algorithms developed to predict the effect of sequence changes on RNA splicing suggest that this variant may disrupt the consensus splice site. In summary, the available evidence is currently insufficient to determine the role of this variant in disease. Therefore, it has been classified as a Variant of Uncertain Significance.

Dasa
Classification: Uncertain significance. Last evaluated: 2025-07-20. Review status: criteria provided, single submitter. Criteria: DASA Assertion Criteria. Collection method: clinical testing. Allele origin: germline.
Comment: NM_004960.4(FUS):c.1371_1373dup (p.Gly458dup) is an in-frame duplication predicted to duplicate glycine at protein position 458 without shifting the reading frame. This variant is rare in population databases. The currently available literature and clinical evidence are not sufficient to establish a definitive association between this variant and the reported condition. Therefore, this variant is classified as a variant of uncertain significance.

NM_004960.4(FUS):c.1371_1373dup (p.Gly458_Pro459insGly)

Gene: FUS (FUS RNA binding protein; plus strand). Cytogenetic location: 16p11.2.
Variant type: Duplication.
Coding change: c.1371_1373dup on transcript NM_004960.4 (MANE Select); coding-DNA positions 1371 to 1373, 3 bases duplicated (GGG; older notation c.1371_1373dupGGG).
Protein change: p.Gly458_Pro459insGly.
Molecular consequence: inframe insertion. On other transcripts: non-coding transcript variant (1).
Genome position (GRCh38, 1-based): chr16:31,190,820-31,190,822, GGG duplicated; duplicating any 3 consecutive bases within chr16:31,190,818-31,190,822 gives the same sequence; the c. name uses the placement nearest the transcript's 3' end. VCF-style (leftmost placement, unchanged base first): chr16-31190817-A-AGGG. GRCh37 (hg19) VCF-style: chr16-31202138-A-AGGG.
Other names: c.1368_1370dup, p.Gly457_Pro458insGly (NM_001170634.1); c.1359_1361dup, p.Gly454_Pro455insGly (NM_001170937.1).
Identifiers: ClinVar variation 2076222 (VCV002076222.6), dbSNP rs760855034, ClinGen allele CA8024026.